The following is an entry in ClinVar:

ClinVar aggregate classification (germline): Uncertain significance. Review status: criteria provided, multiple submitters, no conflicts (2 of 4 stars). 3 submissions from 3 submitters: Uncertain significance (3). Last evaluated 2026-01-15.

Conditions:
LRP2-related disorder. Also called: LRP2-related condition.
Donnai-Barrow syndrome. Also called: DBS/FOAR SYNDROME; FACIOOCULOACOUSTICORENAL SYNDROME. Identifiers: Orphanet 2143, MedGen C1857277, MONDO:0009104, OMIM 222448.

Allele frequency attached by ClinVar (database versions not stated): gnomAD 0.00001 and 0.00002; gnomAD exomes 0.00001; TOPMed 0.00001; ExAC 0.00002; 1000 Genomes Project 30x 0.00016; 1000 Genomes Project 0.00020.
gnomAD v4.1: 15 of 1,613,670 alleles (0.00093%); highest among the groups gnomAD compares: East Asian, 0.0089%; no homozygotes.

Submissions (3):

Labcorp Genetics (formerly Invitae), Labcorp
Classification: Uncertain significance. Last evaluated: 2026-01-15. Review status: criteria provided, single submitter. Criteria: Invitae Variant Classification Sherloc (09022015). Collection method: clinical testing. Allele origin: germline.
Comment: This sequence change replaces tyrosine, which is neutral and polar, with cysteine, which is neutral and slightly polar, at codon 646 of the LRP2 protein (p.Tyr646Cys). This variant is present in population databases (rs566216372, gnomAD 0.005%). This variant has not been reported in the literature in individuals affected with LRP2-related conditions. ClinVar contains an entry for this variant (Variation ID: 1504765). Invitae Evidence Modeling of protein sequence and biophysical properties (such as structural, functional, and spatial information, amino acid conservation, physicochemical variation, residue mobility, and thermodynamic stability) indicates that this missense variant is expected to disrupt LRP2 protein function with a positive predictive value of 80%. In summary, the available evidence is currently insufficient to determine the role of this variant in disease. Therefore, it has been classified as a Variant of Uncertain Significance.

PreventionGenetics, part of Exact Sciences
Classification: Uncertain significance for LRP2-related condition. Last evaluated: 2025-01-05. Review status: criteria provided, single submitter. Criteria: ACMG Guidelines, 2015. Collection method: clinical testing. Allele origin: germline.
Comment: The LRP2 c.1937A>G variant is predicted to result in the amino acid substitution p.Tyr646Cys. To our knowledge, this variant has not been reported in the literature. This variant is reported in 0.010% of alleles in individuals of East Asian descent in gnomAD. At this time, the clinical significance of this variant is uncertain due to the absence of conclusive functional and genetic evidence.

Fulgent Genetics
Classification: Uncertain significance for Donnai-Barrow syndrome. Last evaluated: 2021-11-03. Review status: criteria provided, single submitter. Criteria: ACMG Guidelines, 2015. Collection method: clinical testing. Allele origin: unknown.

NM_004525.3(LRP2):c.1937A>G (p.Tyr646Cys)

Gene: LRP2 (LDL receptor related protein 2; minus strand). Cytogenetic location: 2q31.1.
Variant type: single nucleotide variant.
Coding change: c.1937A>G on transcript NM_004525.3 (MANE Select); coding-DNA position 1937, A replaced by G.
Protein change: p.Tyr646Cys; replaces tyrosine 646 with cysteine.
Molecular consequence: missense variant.
Genome position (GRCh38, 1-based): chr2:169,275,074, T>C on the plus strand (A>G on the coding strand, the complement: LRP2 is on the minus strand). VCF-style: chr2-169275074-T-C. GRCh37 (hg19) VCF-style: chr2-170131584-T-C.
Other names: c.1937A>G (NM_004525.2); short protein forms Y646C.
Identifiers: ClinVar variation 1504765 (VCV001504765.6), dbSNP rs566216372, ClinGen allele CA1955442.